The following is an entry in ClinVar:

ClinVar aggregate classification (germline): Likely benign. Review status: criteria provided, multiple submitters, no conflicts (2 of 4 stars). 3 submissions from 3 submitters: Likely benign (2). 1 of the submissions does not count toward it. Last evaluated 2025-12-15.

Conditions:
VCAN-related disorder. Also called: VCAN-related condition.

Allele frequency attached by ClinVar (database versions not stated): 1000 Genomes Project 0.00040; 1000 Genomes Project 30x 0.00047; TOPMed 0.00076; ESP Exome Variant Server 0.00092.
gnomAD v4.1: 191 of 1,614,090 alleles (0.012%); highest among the groups gnomAD compares: African/African-American, 0.23%; no homozygotes.

Submissions (3):

Labcorp Genetics (formerly Invitae), Labcorp
Classification: Likely benign. Last evaluated: 2025-12-15. Review status: criteria provided, single submitter. Criteria: Invitae Variant Classification Sherloc (09022015). Collection method: clinical testing. Allele origin: germline.

Blueprint Genetics
Classification: Likely benign. Last evaluated: 2024-11-25. Review status: criteria provided, single submitter. Criteria: ACMG Guidelines, 2015. Collection method: clinical testing. Allele origin: germline.

PreventionGenetics, part of Exact Sciences
Classification: Likely benign for VCAN-related condition. Last evaluated: 2019-11-07. Review status: no assertion criteria provided. Collection method: clinical testing. Allele origin: germline. Not counted in ClinVar's aggregate classification.
Comment: This variant is classified as likely benign based on ACMG/AMP sequence variant interpretation guidelines (Richards et al. 2015 PMID: 25741868, with internal and published modifications).

NM_004385.5(VCAN):c.8919G>C (p.Gln2973His)

Genes: VCAN (versican; plus strand), VCAN-AS1 (VCAN antisense RNA 1; minus strand). Cytogenetic location: 5q14.3.
Variant type: single nucleotide variant.
Coding change: c.8919G>C on transcript NM_004385.5 (MANE Select); coding-DNA position 8919, G replaced by C.
Protein change: p.Gln2973His; replaces glutamine 2973 with histidine.
Molecular consequence: missense variant. On other transcripts: intron variant (2).
Genome position (GRCh38, 1-based): chr5:83,541,922, G>C. VCF-style: chr5-83541922-G-C. GRCh37 (hg19) VCF-style: chr5-82837741-G-C.
Other names: c.5958G>C, p.Gln1986His (NM_001164097.2); c.4004-3615G>C (NM_001164098.2); c.1043-3615G>C (NM_001126336.3); short protein forms Q1986H, Q2973H.
Identifiers: ClinVar variation 730303 (VCV000730303.14), dbSNP rs145612319, ClinGen allele CA3333876.